The following is an entry in ClinVar:

NM_001739.2(CA5A):c.89C>G (p.Pro30Arg)

Gene: CA5A (carbonic anhydrase 5A; minus strand). Cytogenetic location: 16q24.2.
Variant type: single nucleotide variant.
Coding change: c.89C>G on transcript NM_001739.2 (MANE Select); coding-DNA position 89, C replaced by G.
Protein change: p.Pro30Arg; replaces proline 30 with arginine.
Molecular consequence: missense variant. On other transcripts: non-coding transcript variant (2).
Genome position (GRCh38, 1-based): chr16:87,936,362, G>C on the plus strand (C>G on the coding strand, the complement: CA5A is on the minus strand). VCF-style: chr16-87936362-G-C. GRCh37 (hg19) VCF-style: chr16-87969968-G-C.
Other names: c.89C>G, p.Pro30Arg (NM_001367225.1); c.89C>G (NM_001739.1); short protein forms P30R.
Identifiers: ClinVar variation 1374725 (VCV001374725.6), dbSNP rs533233634, ClinGen allele CA286234495.

ClinVar aggregate classification (germline): Uncertain significance. Review status: criteria provided, multiple submitters, no conflicts (2 of 4 stars). 2 submissions from 2 submitters: Uncertain significance (2). Last evaluated 2024-08-11.

Conditions:
Inborn genetic diseases. Identifiers: MedGen C0950123, MeSH D030342.
Hyperammonemic encephalopathy due to carbonic anhydrase VA deficiency. Also called: Carbonic Anhydrase VA Deficiency; Carbonic anhydrase VA deficiency, hyperammonemia due to. Identifiers: Orphanet 401948, MedGen C4706871, MONDO:0014332, OMIM 615751.

Allele frequency attached by ClinVar (database versions not stated): gnomAD 0.00002.

Submissions (2):

Ambry Genetics
Classification: Uncertain significance for Inborn genetic diseases. Last evaluated: 2024-08-11. Review status: criteria provided, single submitter. Criteria: Ambry Variant Classification Scheme 2023. Collection method: clinical testing. Allele origin: germline.

Labcorp Genetics (formerly Invitae), Labcorp
Classification: Uncertain significance for Hyperammonemic encephalopathy due to carbonic anhydrase VA deficiency. Last evaluated: 2022-07-19. Review status: criteria provided, single submitter. Criteria: Invitae Variant Classification Sherloc (09022015). Collection method: clinical testing. Allele origin: germline.
Comment: In summary, the available evidence is currently insufficient to determine the role of this variant in disease. Therefore, it has been classified as a Variant of Uncertain Significance. Algorithms developed to predict the effect of missense changes on protein structure and function output the following: SIFT: "Tolerated"; PolyPhen-2: "Benign"; Align-GVGD: "Class C0". The arginine amino acid residue is found in multiple mammalian species, which suggests that this missense change does not adversely affect protein function. ClinVar contains an entry for this variant (Variation ID: 1374725). This variant has not been reported in the literature in individuals affected with CA5A-related conditions. This variant is not present in population databases (gnomAD no frequency). This sequence change replaces proline, which is neutral and non-polar, with arginine, which is basic and polar, at codon 30 of the CA5A protein (p.Pro30Arg).